The following is an entry in ClinVar:

NM_016058.5(TPRKB):c.274G>A (p.Ala92Thr)

Gene: TPRKB (TP53RK binding protein; minus strand). Cytogenetic location: 2p13.1.
Variant type: single nucleotide variant.
Coding change: c.274G>A on transcript NM_016058.5 (MANE Select); coding-DNA position 274, G replaced by A.
Protein change: p.Ala92Thr; replaces alanine 92 with threonine.
Molecular consequence: missense variant.
Genome position (GRCh38, 1-based): chr2:73,730,727, C>T on the plus strand (G>A on the coding strand, the complement: TPRKB is on the minus strand). VCF-style: chr2-73730727-C-T. GRCh37 (hg19) VCF-style: chr2-73957854-C-T.
Other names: c.391G>A, p.Ala131Thr (NM_001330386.2, NM_001330387.2); c.274G>A, p.Ala92Thr (NM_001330388.2, NM_001330389.2); c.220G>A, p.Ala74Thr (NM_001330390.2); c.175G>A, p.Ala59Thr (NM_001330391.2, NM_001330392.2); short protein forms A59T, A131T, A74T, A92T.
Identifiers: ClinVar variation 2232151 (VCV002232151.3), dbSNP rs148515124, ClinGen allele CA1716404.

ClinVar aggregate classification (germline): Uncertain significance. Review status: criteria provided, multiple submitters, no conflicts (2 of 4 stars). 2 submissions from 2 submitters: Uncertain significance (2). Last evaluated 2025-12-02.

Allele frequency attached by ClinVar (database versions not stated): gnomAD exomes 0.00001; ExAC 0.00004; gnomAD 0.00005; TOPMed 0.00008; ESP Exome Variant Server 0.00023.
gnomAD v4.1: 21 of 1,512,722 alleles (0.0014%); highest among the groups gnomAD compares: African/African-American, 0.019%; no homozygotes.

Submissions (2):

Labcorp Genetics (formerly Invitae), Labcorp
Classification: Uncertain significance. Last evaluated: 2025-12-02. Review status: criteria provided, single submitter. Criteria: Invitae Variant Classification Sherloc (09022015). Collection method: clinical testing. Allele origin: germline.
Comment: This sequence change replaces alanine, which is neutral and non-polar, with threonine, which is neutral and polar, at codon 92 of the TPRKB protein (p.Ala92Thr). This variant is present in population databases (rs148515124, gnomAD 0.03%). This variant has not been reported in the literature in individuals affected with TPRKB-related conditions. ClinVar contains an entry for this variant (Variation ID: 2232151). An algorithm developed to predict the effect of missense changes on protein structure and function (PolyPhen-2) suggests that this variant is likely to be disruptive. In summary, the available evidence is currently insufficient to determine the role of this variant in disease. Therefore, it has been classified as a Variant of Uncertain Significance.

Ambry Genetics
Classification: Uncertain significance. Last evaluated: 2021-06-11. Review status: criteria provided, single submitter. Criteria: Ambry Variant Classification Scheme 2023. Collection method: clinical testing. Allele origin: germline.